The following is an entry in ClinVar:

NM_005121.3(MED13):c.6151C>T (p.Pro2051Ser)

Gene: MED13 (mediator complex subunit 13; minus strand). Cytogenetic location: 17q23.2.
Variant type: single nucleotide variant.
Coding change: c.6151C>T on transcript NM_005121.3 (MANE Select); coding-DNA position 6151, C replaced by T.
Protein change: p.Pro2051Ser; replaces proline 2051 with serine.
Molecular consequence: missense variant.
Genome position (GRCh38, 1-based): chr17:61,950,965, G>A on the plus strand (C>T on the coding strand, the complement: MED13 is on the minus strand). VCF-style: chr17-61950965-G-A. GRCh37 (hg19) VCF-style: chr17-60028326-G-A.
Other names: short protein forms P2051S.
Identifiers: ClinVar variation 4997318 (VCV004997318.1).
Genomic context (GRCh38, chr17:61,950,965, plus strand): 5'-TTGATACAAAGTAACCAAGGGCCAATGGTTGCTGAAGAATATTAGGTACTTCCTCATGAG[G>A]TTCTGTTGATAGTAGCCGATCAGTACTCTGACCCTTAAAAAGACAAAATTAAAAGTATAT-3'
Protein context (NP_005112.2, residues 2041-2061): QSTDRLLSTE[Pro2051Ser]HEEVPNILQQ

ClinVar aggregate classification (germline): Uncertain significance (1 of 4 stars; one submission).

Conditions:
MED13-related disorder. Also called: MED13-related condition.

gnomAD v4.1: 1 of 1,613,672 alleles (0.000062%); highest among the groups gnomAD compares: Admixed American, 0.0017%; no homozygotes.

Submission:

PreventionGenetics, part of Exact Sciences
Classification: Uncertain significance for MED13-related condition. Last evaluated: 2025-07-11. Review status: criteria provided, single submitter. Criteria: ACMG Guidelines, 2015. Collection method: clinical testing. Allele origin: germline.
Comment: The MED13 c.6151C>T variant is predicted to result in the amino acid substitution p.Pro2051Ser. To our knowledge, this variant has not been reported in the literature. This variant is reported in 0.0029% of alleles in individuals of Latino descent in gnomAD. At this time, the clinical significance of this variant is uncertain due to the absence of conclusive functional and genetic evidence.